The following is an entry in ClinVar:

ClinVar aggregate classification (germline): Pathogenic. Review status: criteria provided, multiple submitters, no conflicts (2 of 4 stars). 3 submissions from 3 submitters: Pathogenic (2). 1 of the submissions does not count toward it. Last evaluated 2022-01-03.

Conditions:
Axenfeld-Rieger syndrome type 3 (RIEG3). Also called: AXENFELD-RIEGER ANOMALY WITH CARDIAC DEFECTS AND/OR SENSORINEURAL HEARING LOSS. Identifiers: Orphanet 782, MedGen C2678503, MONDO:0011233, OMIM 602482.

Submissions (3):

3billion
Classification: Pathogenic for Axenfeld-Rieger syndrome type 3. Last evaluated: 2022-01-03. Review status: criteria provided, single submitter. Criteria: ACMG Guidelines, 2015. Collection method: clinical testing. Allele origin: germline. Affected: yes. Observed: 1 heterozygote.
Comment: Stop-gained (nonsense): predicted to result in a loss or disruption of normal protein function through protein truncation. The predicted truncated protein may be shortened by more than 10% (PVS1_S). The variant was co-segregated with Axenfeld-Rieger syndrome, type 3 in multiple affected family members with additional meioses meeting moderate evidence levels (PMID: 18498376, PP1_M). The variant has been reported at least twice as pathogenic/likely pathogenic with clinical assertions and evidence for the classification (ClinVar ID: VCV000008461, PMID:18498376). It is not observed in the gnomAD v2.1.1 dataset (PM2_M). Therefore, this variant is classified as pathogenic according to the recommendation of ACMG/AMP guideline.

Labcorp Genetics (formerly Invitae), Labcorp
Classification: Pathogenic for Axenfeld-Rieger syndrome type 3. Last evaluated: 2021-08-12. Review status: criteria provided, single submitter. Criteria: Invitae Variant Classification Sherloc (09022015). Collection method: clinical testing. Allele origin: germline.

OMIM
Classification: Pathogenic for AXENFELD-RIEGER SYNDROME, TYPE 3. Last evaluated: 2008-11-01. Review status: no assertion criteria provided. Collection method: literature only. Allele origin: germline. Not counted in ClinVar's aggregate classification.

Literature cited by the submitters: PubMed 18498376 (cited by 3billion and OMIM).

NM_001453.3(FOXC1):c.358C>T (p.Gln120Ter)

Gene: FOXC1 (forkhead box C1; plus strand). Cytogenetic location: 6p25.3.
Variant type: single nucleotide variant.
Coding change: c.358C>T on transcript NM_001453.3 (MANE Select); coding-DNA position 358, C replaced by T.
Protein change: p.Gln120Ter; replaces glutamine 120 with a stop codon.
Molecular consequence: nonsense.
Genome position (GRCh38, 1-based): chr6:1,610,803, C>T. VCF-style: chr6-1610803-C-T. GRCh37 (hg19) VCF-style: chr6-1611038-C-T.
Other names: short protein forms Q120*.
Identifiers: ClinVar variation 8461 (VCV000008461.6), dbSNP rs121909339, ClinGen allele CA119644.